The following is an entry in ClinVar:

ClinVar aggregate classification (germline): Uncertain significance. Review status: criteria provided, multiple submitters, no conflicts (2 of 4 stars). 2 submissions from 2 submitters: Uncertain significance (2). Last evaluated 2026-03-11.

Conditions:
Hereditary cancer-predisposing syndrome. Also called: Neoplastic Syndromes, Hereditary; Hereditary neoplastic syndrome; Tumor predisposition; Hereditary Cancer Syndrome. Identifiers: Orphanet 140162, MedGen C0027672, MeSH D009386, MONDO:0015356.
Familial adenomatous polyposis 1 (FAP1). Also called: FAMILIAL ADENOMATOUS POLYPOSIS 1, ATTENUATED; POLYPOSIS, ADENOMATOUS INTESTINAL. Identifiers: MedGen C2713442, MONDO:0021056, OMIM 175100. Disease mechanism: loss of function.

Submissions (2):

Ambry Genetics
Classification: Uncertain significance for Hereditary cancer-predisposing syndrome. Last evaluated: 2026-03-11. Review status: criteria provided, single submitter. Criteria: Ambry Variant Classification Scheme 2023. Collection method: clinical testing. Allele origin: germline.
Comment: The c.3735_3737delGGC variant (also known as p.K1245_A1246delinsN) is located in coding exon 15 of the APC gene. This variant results from an in-frame GGC deletion at nucleotide positions 3735 to 3737. The lysine and alanine residues at codons 1245 to 1246 is replaced by asparagine. This amino acid region is not well conserved in available vertebrate species. In addition, this variant is predicted to be neutral by in silico analysis (Choi Y et al. PLoS ONE. 2012; 7(10):e46688). Based on the available evidence, the clinical significance of this variant remains unclear.

Labcorp Genetics (formerly Invitae), Labcorp
Classification: Uncertain significance for Familial adenomatous polyposis 1. Last evaluated: 2025-12-16. Review status: criteria provided, single submitter. Criteria: Invitae Variant Classification Sherloc (09022015). Collection method: clinical testing. Allele origin: germline.
Comment: This variant, c.3735_3737del, is a complex sequence change that results in the deletion of 2 and insertion of 1 amino acid(s) in the APC protein (p.Lys1245_Ala1246delinsAsn). This variant is present in population databases (no rsID available, gnomAD 0.003%). This variant has not been reported in the literature in individuals affected with APC-related conditions. Experimental studies and prediction algorithms are not available or were not evaluated, and the functional significance of this variant is currently unknown. In summary, the available evidence is currently insufficient to determine the role of this variant in disease. Therefore, it has been classified as a Variant of Uncertain Significance.

NM_000038.6(APC):c.3735_3737del (p.Lys1245_Ala1246delinsAsn)

Gene: APC (APC regulator of Wnt signaling pathway; plus strand). Cytogenetic location: 5q22.2.
Variant type: Deletion.
Coding change: c.3735_3737del on transcript NM_000038.6 (MANE Select); coding-DNA positions 3735 to 3737, 3 bases deleted (GGC; older notation c.3735_3737delGGC).
Protein change: p.Lys1245_Ala1246delinsAsn.
Molecular consequence: inframe indel. On other transcripts: non-coding transcript variant (2).
Genome position (GRCh38, 1-based): chr5:112,839,329-112,839,331, GGC deleted. VCF-style (leftmost placement, unchanged base first): chr5-112839328-AGGC-A. GRCh37 (hg19) VCF-style: chr5-112175025-AGGC-A.
Other names: c.3612_3614del, p.Lys1204_Ala1205delinsAsn (NM_001354900.2); c.3558_3560del, p.Lys1186_Ala1187delinsAsn (NM_001354901.2, NM_001407453.1); c.3462_3464del, p.Lys1154_Ala1155delinsAsn (NM_001354902.2); c.3432_3434del, p.Lys1144_Ala1145delinsAsn (NM_001354903.2, NM_001407458.1, NM_001407459.1 and 1 more transcripts); c.3357_3359del, p.Lys1119_Ala1120delinsAsn (NM_001354904.2); c.3255_3257del, p.Lys1085_Ala1086delinsAsn (NM_001354905.2); c.2886_2888del, p.Lys962_Ala963delinsAsn (NM_001354906.2, NM_001407470.1); c.3819_3821del, p.Lys1273_Ala1274delinsAsn (NM_001407446.1); and 12 more.
Identifiers: ClinVar variation 4738218 (VCV004738218.2).